The following is an entry in ClinVar:

NM_001943.5(DSG2):c.2505A>T (p.Thr835=)

Genes: DSG2 (desmoglein 2; plus strand), DSG2-AS1 (DSG2 antisense RNA 1; minus strand). Cytogenetic location: 18q12.1.
Variant type: single nucleotide variant.
Coding change: c.2505A>T on transcript NM_001943.5 (MANE Select); coding-DNA position 2505, A replaced by T.
Protein change: p.Thr835=; no amino-acid change (threonine 835 retained).
Molecular consequence: synonymous variant. On other transcripts: non-coding transcript variant (1).
Genome position (GRCh38, 1-based): chr18:31,545,891, A>T. VCF-style: chr18-31545891-A-T. GRCh37 (hg19) VCF-style: chr18-29125854-A-T.
Identifiers: ClinVar variation 3074984 (VCV003074984.2), dbSNP rs1042769, ClinGen allele CA503766232.
Genomic context (GRCh38, chr18:31,545,891, plus strand): 5'-TTTTATTGAAGGAGAGCTAGATGACCGCTTCTTAGATGATTTGGGACTTAAATTCAAGAC[A>T]CTAGCTGAAGTTTGCCTGGGTCAAAAAATAGATATAAATAAGGAAATTGAGCAGAGACAA-3'
Protein context (NP_001934.2, residues 825-845): FLDDLGLKFK[Thr835=]LAEVCLGQKI

ClinVar aggregate classification (germline): Likely benign. Review status: criteria provided, multiple submitters, no conflicts (2 of 4 stars). 2 submissions from 2 submitters: Likely benign (2). Last evaluated 2023-12-13.

Conditions:
Cardiomyopathy (CMYO). Also called: Cardiomyopathies. Identifiers: Orphanet 167848, MedGen C0878544, MONDO:0004994, HP:0001638. Inheritance: Various modes of inheritance.
Arrhythmogenic right ventricular cardiomyopathy (ARVD). Also called: Arrhythmogenic right ventricular dysplasia; Cardiomyopathy, ARVC; Arrhythmogenic cardiomyopathy; Arrhythmogenic Right Ventricular Cardiomyopathy (ARVC). Identifiers: Orphanet 247, MedGen C0349788, MeSH D019571, MONDO:0016587. Disease mechanism: loss of function. Inheritance: Various modes of inheritance.

Submissions (2):

All of Us Research Program, National Institutes of Health
Classification: Likely benign for Arrhythmogenic right ventricular cardiomyopathy. Last evaluated: 2023-12-13. Review status: criteria provided, single submitter. Criteria: ACMG Guidelines, 2015. Collection method: clinical testing. Allele origin: germline. Inheritance: Autosomal dominant inheritance. Observed: 1 variant allele, 1 heterozygote.
Comment: This study involves interpretation of variants in research participants for the purpose of population health screening. Participant phenotype was not available at the time of variant classification. Additional details can be found in publication PMID: 35346344, PMCID: PMC8962531

Color Diagnostics, LLC DBA Color Health
Classification: Likely benign for Cardiomyopathy. Last evaluated: 2023-11-29. Review status: criteria provided, single submitter. Criteria: ACMG Guidelines, 2015. Collection method: clinical testing. Allele origin: germline.